The following is an entry in ClinVar:

NM_004035.7(ACOX1):c.1177C>T (p.Arg393Trp)

Gene: ACOX1 (acyl-CoA oxidase 1; minus strand). Cytogenetic location: 17q25.1.
Variant type: single nucleotide variant.
Coding change: c.1177C>T on transcript NM_004035.7 (MANE Select); coding-DNA position 1177, C replaced by T.
Protein change: p.Arg393Trp; replaces arginine 393 with tryptophan.
Molecular consequence: missense variant.
Genome position (GRCh38, 1-based): chr17:75,950,895, G>A on the plus strand (C>T on the coding strand, the complement: ACOX1 is on the minus strand). VCF-style: chr17-75950895-G-A. GRCh37 (hg19) VCF-style: chr17-73946976-G-A.
Other names: c.1063C>T, p.Arg355Trp (NM_001185039.2); c.1177C>T, p.Arg393Trp (NM_007292.6); short protein forms R355W, R393W.
Identifiers: ClinVar variation 2068638 (VCV002068638.5), dbSNP rs1457364397, ClinGen allele CA401063002.

ClinVar aggregate classification (germline): Uncertain significance. Review status: criteria provided, multiple submitters, no conflicts (2 of 4 stars). 2 submissions from 2 submitters: Uncertain significance (2). Last evaluated 2025-04-28.

Conditions:
Inborn genetic diseases. Identifiers: MedGen C0950123, MeSH D030342.
Acyl-CoA oxidase deficiency. Also called: Peroxisomal acyl-CoA oxidase deficiency; STRAIGHT-CHAIN ACYL-CoA OXIDASE DEFICIENCY; Pseudoneonatal adrenoleukodystrophy. Identifiers: Orphanet 2971, MedGen C1849678, MONDO:0009919, OMIM 264470. Disease mechanism: loss of function.

Allele frequency attached by ClinVar (database versions not stated): gnomAD 0.00001; TOPMed 0.00002.
gnomAD v4.1: 17 of 1,614,018 alleles (0.0011%); highest among the groups gnomAD compares: Non-Finnish European, 0.0014%; no homozygotes.

Submissions (2):

Labcorp Genetics (formerly Invitae), Labcorp
Classification: Uncertain significance for Acyl-CoA oxidase deficiency. Last evaluated: 2025-04-28. Review status: criteria provided, single submitter. Criteria: Invitae Variant Classification Sherloc (09022015). Collection method: clinical testing. Allele origin: germline.
Comment: This sequence change replaces arginine, which is basic and polar, with tryptophan, which is neutral and slightly polar, at codon 393 of the ACOX1 protein (p.Arg393Trp). This variant is present in population databases (no rsID available, gnomAD 0.003%). This variant has not been reported in the literature in individuals affected with ACOX1-related conditions. ClinVar contains an entry for this variant (Variation ID: 2068638). Invitae Evidence Modeling of protein sequence and biophysical properties (such as structural, functional, and spatial information, amino acid conservation, physicochemical variation, residue mobility, and thermodynamic stability) indicates that this missense variant is expected to disrupt ACOX1 protein function with a positive predictive value of 80%. Algorithms developed to predict the effect of sequence changes on RNA splicing suggest that this variant may disrupt the consensus splice site. In summary, the available evidence is currently insufficient to determine the role of this variant in disease. Therefore, it has been classified as a Variant of Uncertain Significance.

Ambry Genetics
Classification: Uncertain significance for Inborn genetic diseases. Last evaluated: 2025-02-08. Review status: criteria provided, single submitter. Criteria: Ambry Variant Classification Scheme 2023. Collection method: clinical testing. Allele origin: germline.